The following is an entry in ClinVar:

NM_001330588.2(TPP2):c.1495C>A (p.His499Asn)

Gene: TPP2 (tripeptidyl peptidase 2; plus strand). Cytogenetic location: 13q33.1.
Variant type: single nucleotide variant.
Coding change: c.1495C>A on transcript NM_001330588.2 (MANE Select); coding-DNA position 1495, C replaced by A.
Protein change: p.His499Asn; replaces histidine 499 with asparagine.
Molecular consequence: missense variant. On other transcripts: non-coding transcript variant (1).
Genome position (GRCh38, 1-based): chr13:102,635,688, C>A. VCF-style: chr13-102635688-C-A. GRCh37 (hg19) VCF-style: chr13-103288038-C-A.
Other names: c.1495C>A, p.His499Asn (NM_001367947.1, NM_003291.4); short protein forms H499N.
Identifiers: ClinVar variation 1362594 (VCV001362594.6), dbSNP rs761216414, ClinGen allele CA7037750.
Genomic context (GRCh38, chr13:102,635,688, plus strand): 5'-AGAAGAGCTCTAGAAAACACTGCAGTGAAGGCTGACAATATAGAAGTATTTGCTCAAGGA[C>A]ATGGTATTATTCAGGTATTGTTGCCTATATGAAAAATGGGTTGTAAAGCATCATTGAGAT-3'
Protein context (NP_001317517.1, residues 489-509): ADNIEVFAQG[His499Asn]GIIQVDKAYD

ClinVar aggregate classification (germline): Uncertain significance (1 of 4 stars; one submission).

Conditions:
Evans syndrome, immunodeficiency, and premature immunosenescence associated with tripeptidyl-peptidase II deficiency. Identifiers: MedGen CN231723. Disease mechanism: loss of function.

Allele frequency attached by ClinVar (database versions not stated): gnomAD 0.00001; ExAC 0.00002.
gnomAD v4.1: 26 of 1,612,118 alleles (0.0016%); highest among the groups gnomAD compares: South Asian, 0.027%; no homozygotes.

Submission:

Labcorp Genetics (formerly Invitae), Labcorp
Classification: Uncertain significance for Evans syndrome, immunodeficiency, and premature immunosenescence associated with tripeptidyl-peptidase II deficiency. Last evaluated: 2024-08-20. Review status: criteria provided, single submitter. Criteria: Invitae Variant Classification Sherloc (09022015). Collection method: clinical testing. Allele origin: germline.
Comment: This sequence change replaces histidine, which is basic and polar, with asparagine, which is neutral and polar, at codon 499 of the TPP2 protein (p.His499Asn). This variant is present in population databases (rs761216414, gnomAD 0.03%). This variant has not been reported in the literature in individuals affected with TPP2-related conditions. ClinVar contains an entry for this variant (Variation ID: 1362594). An algorithm developed to predict the effect of missense changes on protein structure and function (PolyPhen-2) suggests that this variant¬†is likely to be tolerated. In summary, the available evidence is currently insufficient to determine the role of this variant in disease. Therefore, it has been classified as a Variant of Uncertain Significance.